The following is an entry in ClinVar:

ClinVar aggregate classification (germline): Likely benign. Review status: criteria provided, multiple submitters, no conflicts (2 of 4 stars). 2 submissions from 2 submitters: Likely benign (2). Last evaluated 2026-02-01.

Conditions:
Epileptic encephalopathy. Identifiers: MedGen C0543888, HP:0200134.

Allele frequency attached by ClinVar (database versions not stated): gnomAD exomes 0.00009; ExAC 0.00011; gnomAD 0.00013 and 0.00014; ESP Exome Variant Server 0.00025; TOPMed 0.00029; 1000 Genomes Project 30x 0.00031; 1000 Genomes Project 0.00040.
gnomAD v4.1: 146 of 1,610,864 alleles (0.0091%); highest among the groups gnomAD compares: Admixed American, 0.03%; no homozygotes.

Submissions (2):

CeGaT Center for Human Genetics Tuebingen
Classification: Likely benign. Last evaluated: 2026-02-01. Review status: criteria provided, single submitter. Criteria: CeGaT Center For Human Genetics Tuebingen Variant Classification Criteria Version 2. Collection method: clinical testing. Allele origin: germline. Affected: yes. Observed: 1 variant allele.
Comment: RYR3: BP4, BP7

Labcorp Genetics (formerly Invitae), Labcorp
Classification: Likely benign for Epileptic encephalopathy. Last evaluated: 2022-10-25. Review status: criteria provided, single submitter. Criteria: Invitae Variant Classification Sherloc (09022015). Collection method: clinical testing. Allele origin: germline.

NM_001036.6(RYR3):c.8385C>T (p.Gly2795=)

Gene: RYR3 (ryanodine receptor 3; plus strand). Cytogenetic location: 15q14.
Variant type: single nucleotide variant.
Coding change: c.8385C>T on transcript NM_001036.6 (MANE Select); coding-DNA position 8385, C replaced by T.
Protein change: p.Gly2795=; no amino-acid change (glycine 2795 retained).
Molecular consequence: synonymous variant.
Genome position (GRCh38, 1-based): chr15:33,750,272, C>T. VCF-style: chr15-33750272-C-T. GRCh37 (hg19) VCF-style: chr15-34042473-C-T.
Other names: c.8385C>T, p.Gly2795= (NM_001243996.4).
Identifiers: ClinVar variation 734379 (VCV000734379.15), dbSNP rs200517335, ClinGen allele CA7460187.